The following is an entry in ClinVar:

ClinVar aggregate classification (germline): Likely benign (1 of 4 stars; one submission).

Allele frequency attached by ClinVar (database versions not stated): 1000 Genomes Project 30x 0.00016.
gnomAD v4.1: 4 of 1,583,508 alleles (0.00025%); highest among the groups gnomAD compares: Non-Finnish European, 0.00034%; no homozygotes.

Submission:

CeGaT Center for Human Genetics Tuebingen
Classification: Likely benign. Last evaluated: 2023-05-01. Review status: criteria provided, single submitter. Criteria: CeGaT Center For Human Genetics Tuebingen Variant Classification Criteria Version 2. Collection method: clinical testing. Allele origin: germline. Affected: yes. Observed: 1 variant allele.
Comment: NRXN1: PM2:Supporting, BP4, BP7

NM_001330078.2(NRXN1):c.648G>A (p.Pro216=)

Gene: NRXN1 (neurexin 1; minus strand). Cytogenetic location: 2p16.3.
Variant type: single nucleotide variant.
Coding change: c.648G>A on transcript NM_001330078.2 (MANE Select); coding-DNA position 648, G replaced by A.
Protein change: p.Pro216=; no amino-acid change (proline 216 retained).
Molecular consequence: synonymous variant.
Genome position (GRCh38, 1-based): chr2:51,027,626, C>T on the plus strand (G>A on the coding strand, the complement: NRXN1 is on the minus strand). VCF-style: chr2-51027626-C-T. GRCh37 (hg19) VCF-style: chr2-51254764-C-T.
Other names: c.648G>A, p.Pro216= (NM_001135659.3, NM_001330077.2, NM_001330079.2 and 15 more transcripts).
Identifiers: ClinVar variation 2650908 (VCV002650908.24), dbSNP rs2105327685, ClinGen allele CA426129079.